The following is an entry in ClinVar:

ClinVar aggregate classification (germline): Likely benign (1 of 4 stars; one submission).

Submission:

CeGaT Center for Human Genetics Tuebingen
Classification: Likely benign. Last evaluated: 2026-02-01. Review status: criteria provided, single submitter. Criteria: CeGaT Center For Human Genetics Tuebingen Variant Classification Criteria Version 2. Collection method: clinical testing. Allele origin: germline. Affected: yes. Observed: 1 variant allele.
Comment: KRTAP4-2: BP4, BP7

NM_033062.4(KRTAP4-2):c.111C>T (p.Arg37=)

Gene: KRTAP4-2 (keratin associated protein 4-2; minus strand). Cytogenetic location: 17q21.2.
Variant type: single nucleotide variant.
Coding change: c.111C>T on transcript NM_033062.4 (MANE Select); coding-DNA position 111, C replaced by T.
Protein change: p.Arg37=; no amino-acid change (arginine 37 retained).
Molecular consequence: synonymous variant.
Genome position (GRCh38, 1-based): chr17:41,178,054, G>A on the plus strand (C>T on the coding strand, the complement: KRTAP4-2 is on the minus strand). VCF-style: chr17-41178054-G-A. GRCh37 (hg19) VCF-style: chr17-39334306-G-A.
Identifiers: ClinVar variation 4821531 (VCV004821531.4).